The following is an entry in ClinVar:

NM_153638.4(PANK2):c.59C>T (p.Ser20Phe)

Genes: PANK2 (pantothenate kinase 2; plus strand), PANK2-AS1 (PANK2 antisense RNA 1; minus strand). Cytogenetic location: 20p13.
Variant type: single nucleotide variant.
Coding change: c.59C>T on transcript NM_153638.4; coding-DNA position 59, C replaced by T.
Protein change: p.Ser20Phe; replaces serine 20 with phenylalanine.
Molecular consequence: missense variant. On other transcripts: intron variant (1).
Genome position (GRCh38, 1-based): chr20:3,889,159, C>T. VCF-style: chr20-3889159-C-T. GRCh37 (hg19) VCF-style: chr20-3869806-C-T.
Other names: c.59C>T, p.Ser20Phe (NM_001324192.1); c.-246+255C>T (NM_024960.6); short protein forms S20F.
Identifiers: ClinVar variation 3900235 (VCV003900235.1).
Genomic context (GRCh38, chr20:3,889,159, plus strand): 5'-GGATGAGGAGGCTCGGGCCCTTCCACCCACGCGTCCATTGGGCGGCGCCGCCATCACTCT[C>T]TTCTGGGCTACACCGCCTTCTCTTCCTCCGCGGAACCCGGATCCCCTCCTCCACCACCCT-3'

ClinVar aggregate classification (germline): Uncertain significance (1 of 4 stars; one submission).

gnomAD v4.1: 11 of 1,596,876 alleles (0.00069%); highest among the groups gnomAD compares: South Asian, 0.0023%; no homozygotes.

Submission:

GeneDx
Classification: Uncertain significance. Last evaluated: 2024-11-21. Review status: criteria provided, single submitter. Criteria: GeneDx Variant Classification Process June 2021. Collection method: clinical testing. Allele origin: germline. Affected: yes.
Comment: Not observed at significant frequency in large population cohorts (gnomAD); In silico analysis indicates that this missense variant does not alter protein structure/function; Has not been previously published as pathogenic or benign to our knowledge